The following is an entry in ClinVar:

NM_000038.6(APC):c.1697T>C (p.Val566Ala)

Gene: APC (APC regulator of Wnt signaling pathway; plus strand). Cytogenetic location: 5q22.2.
Variant type: single nucleotide variant.
Coding change: c.1697T>C on transcript NM_000038.6 (MANE Select); coding-DNA position 1697, T replaced by C.
Protein change: p.Val566Ala; replaces valine 566 with alanine.
Molecular consequence: missense variant.
Genome position (GRCh38, 1-based): chr5:112,828,926, T>C. VCF-style: chr5-112828926-T-C. GRCh37 (hg19) VCF-style: chr5-112164623-T-C.
Other names: c.1697T>C, p.Val566Ala (NM_001127510.3, NM_001354895.2); c.1643T>C, p.Val548Ala (NM_001127511.3); c.1751T>C, p.Val584Ala (NM_001354896.2); c.1727T>C, p.Val576Ala (NM_001354897.2); c.1622T>C, p.Val541Ala (NM_001354898.2); c.1613T>C, p.Val538Ala (NM_001354899.2); c.1574T>C, p.Val525Ala (NM_001354900.2); c.1520T>C, p.Val507Ala (NM_001354901.2); and 5 more; short protein forms V406A, V465A, V440A, V507A, V538A, V475A, V525A, V584A.
Identifiers: ClinVar variation 640076 (VCV000640076.13), dbSNP rs1554082127, ClinGen allele CA16025017.

ClinVar aggregate classification (germline): Uncertain significance. Review status: criteria provided, multiple submitters, no conflicts (2 of 4 stars). 2 submissions from 2 submitters: Uncertain significance (2). Last evaluated 2025-06-16.

Conditions:
Hereditary cancer-predisposing syndrome. Also called: Neoplastic Syndromes, Hereditary; Tumor predisposition; Hereditary Cancer Syndrome; Hereditary neoplastic syndrome. Identifiers: Orphanet 140162, MedGen C0027672, MeSH D009386, MONDO:0015356.
Familial adenomatous polyposis 1 (FAP1). Also called: POLYPOSIS, ADENOMATOUS INTESTINAL; FAMILIAL ADENOMATOUS POLYPOSIS 1, ATTENUATED. Identifiers: MedGen C2713442, MONDO:0021056, OMIM 175100. Disease mechanism: loss of function.

Allele frequency attached by ClinVar (database versions not stated): gnomAD exomes below 0.00001.
gnomAD v4.1: 2 of 1,613,918 alleles (0.00012%); highest among the groups gnomAD compares: Non-Finnish European, 0.00017%; no homozygotes.

Submissions (2):

Labcorp Genetics (formerly Invitae), Labcorp
Classification: Uncertain significance for Familial adenomatous polyposis 1. Last evaluated: 2025-06-16. Review status: criteria provided, single submitter. Criteria: Invitae Variant Classification Sherloc (09022015). Collection method: clinical testing. Allele origin: germline.
Comment: This sequence change replaces valine, which is neutral and non-polar, with alanine, which is neutral and non-polar, at codon 566 of the APC protein (p.Val566Ala). This variant is not present in population databases (gnomAD no frequency). This variant has not been reported in the literature in individuals affected with APC-related conditions. ClinVar contains an entry for this variant (Variation ID: 640076). Invitae Evidence Modeling of protein sequence and biophysical properties (such as structural, functional, and spatial information, amino acid conservation, physicochemical variation, residue mobility, and thermodynamic stability) indicates that this missense variant is not expected to disrupt APC protein function with a negative predictive value of 95%. In summary, the available evidence is currently insufficient to determine the role of this variant in disease. Therefore, it has been classified as a Variant of Uncertain Significance.

Color Diagnostics, LLC DBA Color Health
Classification: Uncertain significance for Hereditary cancer-predisposing syndrome. Last evaluated: 2019-09-24. Review status: criteria provided, single submitter. Criteria: ACMG Guidelines, 2015. Collection method: clinical testing. Allele origin: germline.
Comment: This missense variant replaces valine with alanine at codon 566 of the APC protein. Computational prediction tool is inconclusive regarding the impact of this variant on protein structure and function (internally defined REVEL score threshold 0.5 < inconclusive < 0.7, PMID: 27666373). Splice site prediction tools suggest that this variant may not impact RNA splicing. To our knowledge, functional studies have not been performed for this variant. This variant has not been reported in individuals affected with hereditary cancer in the literature. This variant has not been identified in the general population by the Genome Aggregation Database (gnomAD). The available evidence is insufficient to determine the role of this variant in disease conclusively. Therefore, this variant is classified as a Variant of Uncertain Significance.